The following is an entry in ClinVar:

ClinVar aggregate classification (germline): Benign/Likely benign. Review status: criteria provided, multiple submitters, no conflicts (2 of 4 stars). 5 submissions from 5 submitters: Benign (3); Likely benign (1). 1 of the submissions does not count toward it. Last evaluated 2025-12-16.

Conditions:
ABRAXAS1-related disorder. Also called: ABRAXAS1-related condition.

Allele frequency attached by ClinVar (database versions not stated): gnomAD exomes 0.00073 and 0.00189; ExAC 0.00228; gnomAD 0.00719 and 0.00772; 1000 Genomes Project 0.00819; TOPMed 0.00830; ESP Exome Variant Server 0.00861; 1000 Genomes Project 30x 0.00953.
gnomAD v4.1: 2,223 of 1,613,910 alleles (0.14%); highest among the groups gnomAD compares: African/African-American, 2.6%; 24 homozygotes.

Submissions (5):

Labcorp Genetics (formerly Invitae), Labcorp
Classification: Benign. Last evaluated: 2025-12-16. Review status: criteria provided, single submitter. Criteria: Invitae Variant Classification Sherloc (09022015). Collection method: clinical testing. Allele origin: germline.

Ambry Genetics
Classification: Likely benign. Last evaluated: 2022-02-12. Review status: criteria provided, single submitter. Criteria: Ambry Variant Classification Scheme 2023. Collection method: clinical testing. Allele origin: germline.

GeneDx
Classification: Benign. Last evaluated: 2015-03-03. Review status: criteria provided, single submitter. Criteria: GeneDx Variant Classification Process June 2021. Collection method: clinical testing. Allele origin: germline. Affected: yes.

Breakthrough Genomics
Classification: Benign. Review status: criteria provided, single submitter. Criteria: ACMG Guidelines, 2015. Collection method: not provided. Allele origin: germline. Inheritance: Unknown mechanism. Affected: yes.

PreventionGenetics, part of Exact Sciences
Classification: Benign for ABRAXAS1-related condition. Last evaluated: 2019-02-27. Review status: no assertion criteria provided. Collection method: clinical testing. Allele origin: germline. Not counted in ClinVar's aggregate classification.
Comment: This variant is classified as benign based on ACMG/AMP sequence variant interpretation guidelines (Richards et al. 2015 PMID: 25741868, with internal and published modifications).

NM_139076.3(ABRAXAS1):c.951C>T (p.Leu317=)

Gene: ABRAXAS1 (abraxas 1, BRCA1 A complex subunit; minus strand). Cytogenetic location: 4q21.23.
Variant type: single nucleotide variant.
Coding change: c.951C>T on transcript NM_139076.3 (MANE Select); coding-DNA position 951, C replaced by T.
Protein change: p.Leu317=; no amino-acid change (leucine 317 retained).
Molecular consequence: synonymous variant.
Genome position (GRCh38, 1-based): chr4:83,462,748, G>A on the plus strand (C>T on the coding strand, the complement: ABRAXAS1 is on the minus strand). VCF-style: chr4-83462748-G-A. GRCh37 (hg19) VCF-style: chr4-84383901-G-A.
Other names: c.624C>T, p.Leu208= (NM_001345962.2).
Identifiers: ClinVar variation 416708 (VCV000416708.20), dbSNP rs79357787, ClinGen allele CA2990403.
Genomic context (GRCh38, chr4:83,462,748, plus strand): 5'-TGGACTAGCTTCAGGAATGTCAGTGTGTTCTACCATTAAGGTCAGATTGTCTACTACATC[G>A]AGATGGTGGTTGTAGTTACAGCTACTTTTAGAAACATGTCTATTTTTTAAAGACATAACA-3'
Protein context (NP_620775.2, residues 307-327): SKSSCNYNHH[Leu317=]DVVDNLTLMV